The following is an entry in ClinVar:

NM_032119.4(ADGRV1):c.5005A>G (p.Ile1669Val)

Gene: ADGRV1 (adhesion G protein-coupled receptor V1; plus strand). Cytogenetic location: 5q14.3.
Variant type: single nucleotide variant.
Coding change: c.5005A>G on transcript NM_032119.4 (MANE Select); coding-DNA position 5005, A replaced by G.
Protein change: p.Ile1669Val; replaces isoleucine 1669 with valine.
Molecular consequence: missense variant. On other transcripts: non-coding transcript variant (1).
Genome position (GRCh38, 1-based): chr5:90,674,129, A>G. VCF-style: chr5-90674129-A-G. GRCh37 (hg19) VCF-style: chr5-89969946-A-G.
Other names: c.5005A>G (NM_032119.3); short protein forms I1669V.
Identifiers: ClinVar variation 1387194 (VCV001387194.11), dbSNP rs760285831, ClinGen allele CA3339462.

ClinVar aggregate classification (germline): Conflicting classifications of pathogenicity. Review status: criteria provided, conflicting classifications (1 of 4 stars). 4 submissions from 4 submitters: Uncertain significance (3); Likely benign (1). Last evaluated 2025-10-08.

Conditions:
Usher syndrome type 2. Also called: Usher Syndrome Type II. Identifiers: Orphanet 231178, MedGen C0339534, MONDO:0016484.

Allele frequency attached by ClinVar (database versions not stated): gnomAD exomes below 0.00001 and 0.00001; ExAC 0.00001; gnomAD 0.00003 and 0.00004; TOPMed 0.00005.
gnomAD v4.1: 11 of 1,613,284 alleles (0.00068%); highest among the groups gnomAD compares: African/African-American, 0.004%; no homozygotes.

Submissions (4):

Women's Health and Genetics/Laboratory Corporation of America, LabCorp
Classification: Uncertain significance. Last evaluated: 2025-10-08. Review status: criteria provided, single submitter. Criteria: LabCorp Variant Classification Summary - May 2015. Collection method: clinical testing. Allele origin: germline.
Comment: Variant summary: ADGRV1 c.5005A>G (p.Ile1669Val) results in a conservative amino acid change in the encoded protein sequence. Algorithms developed to predict the effect of missense changes on protein structure and function all suggest that this variant is likely to be tolerated. The variant allele was found at a frequency of 8e-06 in 248792 control chromosomes. The available data on variant occurrences in the general population are insufficient to allow any conclusion about variant significance. To our knowledge, no occurrence of c.5005A>G in individuals affected with ADGRV1-related conditions and no experimental evidence demonstrating its impact on protein function have been reported. ClinVar contains an entry for this variant (Variation ID: 1387194). Based on the evidence outlined above, the variant was classified as uncertain significance.

Labcorp Genetics (formerly Invitae), Labcorp
Classification: Likely benign. Last evaluated: 2025-04-11. Review status: criteria provided, single submitter. Criteria: Invitae Variant Classification Sherloc (09022015). Collection method: clinical testing. Allele origin: germline.

GeneDx
Classification: Uncertain significance. Last evaluated: 2024-02-29. Review status: criteria provided, single submitter. Criteria: GeneDx Variant Classification Process June 2021. Collection method: clinical testing. Allele origin: germline. Affected: yes.
Comment: In silico analysis supports that this missense variant does not alter protein structure/function; In silico analysis suggests this variant may impact gene splicing. In the absence of RNA/functional studies, the actual effect of this sequence change is unknown.; Has not been previously published as pathogenic or benign to our knowledge

Molecular Genetics, Royal Melbourne Hospital
Classification: Uncertain significance for Usher syndrome type 2. Last evaluated: 2022-03-03. Review status: criteria provided, single submitter. Criteria: ACMG Guidelines, 2015. Collection method: clinical testing. Allele origin: germline.
Comment: This sequence change in ADGRV1 is predicted to replace isoleucine with valine at codon 1669, p.(Ile1669Val). The isoleucine residue is weakly conserved (100 vertebrates, UCSC), and is located in an extracellular domain. There is a small physicochemical difference between isoleucine and valine. The highest population minor allele frequency in gnomAD v2.1 is 0.008% (2/24,172 alleles) in the African/African American population, which is consistent with recessive disease. To our knowledge, this variant has not been reported in the literature in any individuals with ADGRV1-related disease. Multiple lines of computational evidence predict a benign effect for the missense substitution (6/6 algorithms). Based on the classification scheme RMH Modified ACMG Guidelines v1.5.1, this variant is classified as a VARIANT OF UNCERTAIN SIGNIFICANCE. Following criteria are met: PM2_Supporting, BP4.